The following is an entry in ClinVar:

NM_001042492.3(NF1):c.1227G>C (p.Val409=)

Gene: NF1 (neurofibromin 1; plus strand). Cytogenetic location: 17q11.2.
Variant type: single nucleotide variant.
Coding change: c.1227G>C on transcript NM_001042492.3 (MANE Select); coding-DNA position 1227, G replaced by C.
Protein change: p.Val409=; no amino-acid change (valine 409 retained).
Molecular consequence: synonymous variant.
Genome position (GRCh38, 1-based): chr17:31,201,452, G>C. VCF-style: chr17-31201452-G-C. GRCh37 (hg19) VCF-style: chr17-29528470-G-C.
Other names: c.1227G>C, p.Val409= (NM_000267.4, NM_001128147.3).
Identifiers: ClinVar variation 5042347 (VCV005042347.1).
Genomic context (GRCh38, chr17:31,201,452, plus strand): 5'-TTTTTTTCTTTTTCTATAGATCTGCCTGGCTCAGAATTCACCTTCTACATTTCACTATGT[G>C]CTGGTAAATTCACTCCATCGAATCATCACCAATGTAAGTCCAAAAGGTATTGCTAAATTA-3'
Protein context (NP_001035957.1, residues 399-419): AQNSPSTFHY[Val409=]LVNSLHRIIT

ClinVar aggregate classification (germline): Benign (1 of 4 stars; one submission).

Conditions:
Neurofibromatosis, type 1 (NF1). Also called: VON RECKLINGHAUSEN DISEASE; NEUROFIBROMATOSIS, TYPE I, SOMATIC; Peripheral type neurofibromatosis; Neurofibromatosis, type I. Identifiers: Orphanet 636, MedGen C0027831, MONDO:0018975, OMIM 162200. Disease mechanism: loss of function.

Submission:

Myriad Genetics, Inc.
Classification: Benign for Neurofibromatosis, type 1. Last evaluated: 2026-09-23. Review status: criteria provided, single submitter. Criteria: Myriad Autosomal Dominant, Autosomal Recessive and X-Linked Classification Criteria (2023). Collection method: clinical testing. Allele origin: unknown.
Comment: This variant is considered benign. This variant is a silent/synonymous amino acid change and it is not expected to impact splicing.